The following is an entry in ClinVar:

NM_032119.4(ADGRV1):c.9717G>A (p.Trp3239Ter)

Gene: ADGRV1 (adhesion G protein-coupled receptor V1; plus strand). Cytogenetic location: 5q14.3.
Variant type: single nucleotide variant.
Coding change: c.9717G>A on transcript NM_032119.4 (MANE Select); coding-DNA position 9717, G replaced by A.
Protein change: p.Trp3239Ter; replaces tryptophan 3239 with a stop codon.
Molecular consequence: nonsense. On other transcripts: non-coding transcript variant (1).
Genome position (GRCh38, 1-based): chr5:90,721,028, G>A. VCF-style: chr5-90721028-G-A. GRCh37 (hg19) VCF-style: chr5-90016845-G-A.
Other names: short protein forms W3239*.
Identifiers: ClinVar variation 2707058 (VCV002707058.3), dbSNP rs2531270458, ClinGen allele CA360400990.

ClinVar aggregate classification (germline): Pathogenic (1 of 4 stars; one submission).

Submission:

Labcorp Genetics (formerly Invitae), Labcorp
Classification: Pathogenic. Last evaluated: 2024-01-02. Review status: criteria provided, single submitter. Criteria: Invitae Variant Classification Sherloc (09022015). Collection method: clinical testing. Allele origin: germline.
Comment: This sequence change creates a premature translational stop signal (p.Trp3239*) in the ADGRV1 gene. It is expected to result in an absent or disrupted protein product. Loss-of-function variants in ADGRV1 are known to be pathogenic (PMID: 19357117, 22135276, 22147658, 26226137, 30718709, 31047384, 32467589). This variant is not present in population databases (gnomAD no frequency). This variant has not been reported in the literature in individuals affected with ADGRV1-related conditions. Algorithms developed to predict the effect of sequence changes on RNA splicing suggest that this variant may disrupt the consensus splice site. For these reasons, this variant has been classified as Pathogenic.

Literature cited by the submitters: PubMed 19357117; PubMed 22135276; PubMed 22147658; PubMed 26226137; PubMed 30718709; PubMed 31047384; PubMed 32467589.